The following is an entry in ClinVar:

ClinVar aggregate classification (germline): Uncertain significance. Review status: criteria provided, multiple submitters, no conflicts (2 of 4 stars). 2 submissions from 2 submitters: Uncertain significance (2). Last evaluated 2024-12-17.

Conditions:
TRIO-related disorder. Also called: TRIO-related condition; TRIO-related disorders.

gnomAD v4.1: 4 of 1,585,702 alleles (0.00025%); highest among the groups gnomAD compares: Admixed American, 0.0035%; no homozygotes.

Submissions (2):

PreventionGenetics, part of Exact Sciences
Classification: Uncertain significance for TRIO-related condition. Last evaluated: 2024-12-17. Review status: criteria provided, single submitter. Criteria: ACMG Guidelines, 2015. Collection method: clinical testing. Allele origin: germline.
Comment: The TRIO c.5420G>A variant is predicted to result in the amino acid substitution p.Arg1807His. To our knowledge, this variant has not been reported in the literature. This variant is reported in 0.0066% of alleles in individuals of Latino descent in gnomAD. At this time, the clinical significance of this variant is uncertain due to the absence of conclusive functional and genetic evidence.

Women's Health and Genetics/Laboratory Corporation of America, LabCorp
Classification: Uncertain significance. Last evaluated: 2024-12-11. Review status: criteria provided, single submitter. Criteria: LabCorp Variant Classification Summary - May 2015. Collection method: clinical testing. Allele origin: germline.
Comment: Variant summary: TRIO c.5420G>A (p.Arg1807His) results in a non-conservative amino acid change in the encoded protein sequence. Four of five in-silico tools predict a damaging effect of the variant on protein function. The variant allele was found at a frequency of 2.1e-05 in 190252 control chromosomes. The available data on variant occurrences in the general population are insufficient to allow any conclusion about variant significance. To our knowledge, no occurrence of c.5420G>A in individuals affected with TRIO-Related Intellectual Disability and no experimental evidence demonstrating its impact on protein function have been reported. No submitters have cited clinical-significance assessments for this variant to ClinVar. Based on the evidence outlined above, the variant was classified as uncertain significance.

NM_007118.4(TRIO):c.5420G>A (p.Arg1807His)

Gene: TRIO (trio Rho guanine nucleotide exchange factor; plus strand). Cytogenetic location: 5p15.2.
Variant type: single nucleotide variant.
Coding change: c.5420G>A on transcript NM_007118.4 (MANE Select); coding-DNA position 5420, G replaced by A.
Protein change: p.Arg1807His; replaces arginine 1807 with histidine.
Molecular consequence: missense variant. On other transcripts: non-coding transcript variant (1).
Genome position (GRCh38, 1-based): chr5:14,461,235, G>A. VCF-style: chr5-14461235-G-A. GRCh37 (hg19) VCF-style: chr5-14461344-G-A.
Other names: c.5420G>A (NM_007118.3); short protein forms R1807H.
Identifiers: ClinVar variation 3768127 (VCV003768127.2).